The following is an entry in ClinVar:

NM_004006.3(DMD):c.10249C>G (p.Pro3417Ala)

Gene: DMD (dystrophin; minus strand). Cytogenetic location: Xp21.2.
Variant type: single nucleotide variant.
Coding change: c.10249C>G on transcript NM_004006.3 (MANE Select); coding-DNA position 10249, C replaced by G.
Protein change: p.Pro3417Ala; replaces proline 3417 with alanine.
Molecular consequence: missense variant. On other transcripts: intron variant (5).
Genome position (GRCh38, 1-based): chrX:31,177,945, G>C on the plus strand (C>G on the coding strand, the complement: DMD is on the minus strand). VCF-style: chrX-31177945-G-C. GRCh37 (hg19) VCF-style: chrX-31196062-G-C.
Other names: p.Pro3417Ala; c.10225C>G, p.Pro3409Ala (NM_000109.4); c.10237C>G, p.Pro3413Ala (NM_004009.3); c.9880C>G, p.Pro3294Ala (NM_004010.3); c.6226C>G, p.Pro2076Ala (NM_004011.4); c.6217C>G, p.Pro2073Ala (NM_004012.4); c.2869C>G, p.Pro957Ala (NM_004013.3, NM_004021.3); c.2062C>G, p.Pro688Ala (NM_004014.3); and 3 more; short protein forms P3417A, P957A, P3413A, P2076A, P3294A, P688A, P2073A, P3409A.
Identifiers: ClinVar variation 452134 (VCV000452134.24), dbSNP rs373898385, ClinGen allele CA10377651.

ClinVar aggregate classification (germline): Conflicting classifications of pathogenicity. Review status: criteria provided, conflicting classifications (1 of 4 stars). 10 submissions from 10 submitters: Uncertain significance (6); Likely benign (3). 1 of the submissions does not count toward it. Last evaluated 2026-01-07.

Conditions:
Duchenne muscular dystrophy (DMD). Also called: Duchenne Muscular Dystrophy (DMD); MUSCULAR DYSTROPHY, PSEUDOHYPERTROPHIC PROGRESSIVE, DUCHENNE TYPE. Identifiers: Orphanet 98896, MedGen C0013264, MONDO:0010679, OMIM 310200.
Becker muscular dystrophy (BMD). Also called: MUSCULAR DYSTROPHY, PSEUDOHYPERTROPHIC PROGRESSIVE, BECKER TYPE; Becker Muscular Dystrophy (BMD). Identifiers: Orphanet 98895, MedGen C0917713, MONDO:0010311, OMIM 300376.
Cardiomyopathy (CMYO). Also called: Cardiomyopathies. Identifiers: Orphanet 167848, MedGen C0878544, MONDO:0004994, HP:0001638. Inheritance: Various modes of inheritance.
Dystrophin deficiency.
Cardiovascular phenotype. Identifiers: MedGen CN230736.

Allele frequency attached by ClinVar (database versions not stated): TOPMed 0.00006; gnomAD 0.00007 and 0.00008; ESP Exome Variant Server 0.00009; gnomAD exomes 0.00010 and 0.00002; ExAC 0.00003.
gnomAD v4.1: 120 of 1,205,988 alleles (0.01%); highest among the groups gnomAD compares: Non-Finnish European, 0.013%; no homozygotes.

Submissions (10):

Labcorp Genetics (formerly Invitae), Labcorp
Classification: Likely benign for Duchenne muscular dystrophy. Last evaluated: 2026-01-07. Review status: criteria provided, single submitter. Criteria: Invitae Variant Classification Sherloc (09022015). Collection method: clinical testing. Allele origin: germline.

Molecular Diagnostic Laboratory for Inherited Cardiovascular Disease, Montreal Heart Institute
Classification: Uncertain significance for Cardiovascular phenotype. Last evaluated: 2025-04-09. Review status: criteria provided, single submitter. Criteria: ACMG Guidelines, 2015. Collection method: clinical testing. Allele origin: germline. Affected: yes.

Women's Health and Genetics/Laboratory Corporation of America, LabCorp
Classification: Uncertain significance. Last evaluated: 2025-04-07. Review status: criteria provided, single submitter. Criteria: LabCorp Variant Classification Summary - May 2015. Collection method: clinical testing. Allele origin: germline.

CeGaT Center for Human Genetics Tuebingen
Classification: Likely benign. Last evaluated: 2025-03-01. Review status: criteria provided, single submitter. Criteria: CeGaT Center For Human Genetics Tuebingen Variant Classification Criteria Version 2. Collection method: clinical testing. Allele origin: germline. Affected: yes. Observed: 1 variant allele.
Comment: DMD: PP3, BS2

Ambry Genetics
Classification: Uncertain significance for Cardiovascular phenotype. Last evaluated: 2025-01-27. Review status: criteria provided, single submitter. Criteria: Ambry Variant Classification Scheme 2023. Collection method: clinical testing. Allele origin: germline.
Comment: The p.P3417A variant (also known as c.10249C>G), located in coding exon 71 of the DMD gene, results from a C to G substitution at nucleotide position 10249. The proline at codon 3417 is replaced by alanine, an amino acid with highly similar properties. Based on data from gnomAD, the G allele has an overall frequency of <0.01% (4/200946) total alleles studied, with 1 hemizygote(s) observed. The highest observed frequency was <0.01% (4/90597) of European (non-Finnish) alleles. This amino acid position is highly conserved in available vertebrate species. In addition, the in silico prediction for this alteration is inconclusive. Based on the available evidence, the clinical significance of this variant remains unclear.

Blueprint Genetics
Classification: Likely benign. Last evaluated: 2023-07-26. Review status: criteria provided, single submitter. Criteria: ACMG Guidelines, 2015. Collection method: clinical testing. Allele origin: germline.

Mayo Clinic Laboratories, Mayo Clinic
Classification: Uncertain significance. Last evaluated: 2023-05-11. Review status: criteria provided, single submitter. Criteria: ACMG Guidelines, 2015. Collection method: clinical testing. Allele origin: germline. Observed: 1 variant allele.

Revvity Omics, Revvity
Classification: Uncertain significance. Last evaluated: 2021-10-20. Review status: criteria provided, single submitter. Criteria: ACMG Guidelines, 2015. Collection method: clinical testing. Allele origin: germline.

GeneDx
Classification: Uncertain significance. Last evaluated: 2017-09-18. Review status: criteria provided, single submitter. Criteria: GeneDx Variant Classification (06012015). Collection method: clinical testing. Allele origin: germline. Affected: yes.
Comment: The P3417A variant of uncertain significance in the DMD gene has not been published as pathogenic or been reported as benign to our knowledge. The P3417A variant is a semi-conservative amino acid substitution, which may impact secondary protein structure as these residues differ in some properties. This substitution occurs at a position that is conserved across species, and in silico analysis predicts this variant is probably damaging to the protein structure/function. However, to our knowledge no studies have been performed to determine the functional effect of the P3417A variant. Furthermore, although the P3417A variant is not observed at a significant frequency in large population cohorts, it was observed in three apparently unaffected hemizyous individuals undergoing testing at GeneDx (Lek et al., 2016; 1000 Genomes Consortium et al., 2015; Exome Variant Server).

Natera, Inc.
Classification: Uncertain significance for Becker muscular dystrophy; Cardiomyopathy; Duchenne muscular dystrophy; Dystrophin deficiency. Last evaluated: 2020-01-24. Review status: no assertion criteria provided. Collection method: clinical testing. Allele origin: germline. Not counted in ClinVar's aggregate classification.